The following is an entry in ClinVar:

ClinVar aggregate classification (germline): Pathogenic/Likely pathogenic. Review status: criteria provided, multiple submitters, no conflicts (2 of 4 stars). 2 submissions from 2 submitters: Pathogenic (1); Likely pathogenic (1). Last evaluated 2025-11-20.

Conditions:
Glycogen storage disease IXb (GSD9B). Also called: GLYCOGENOSIS OF LIVER AND MUSCLE, AUTOSOMAL RECESSIVE; GSD IXb; PHOSPHORYLASE KINASE DEFICIENCY OF LIVER AND MUSCLE, AUTOSOMAL RECESSIVE. Identifiers: Orphanet 79240, MedGen C0543514, MONDO:0009868, OMIM 261750.

Submissions (2):

Labcorp Genetics (formerly Invitae), Labcorp
Classification: Pathogenic for Glycogen storage disease IXb. Last evaluated: 2025-11-20. Review status: criteria provided, single submitter. Criteria: Invitae Variant Classification Sherloc (09022015). Collection method: clinical testing. Allele origin: germline.
Comment: This sequence change creates a premature translational stop signal (p.Arg768Serfs*3) in the PHKB gene. It is expected to result in an absent or disrupted protein product. Loss-of-function variants in PHKB are known to be pathogenic (PMID: 9215682, 9326319). This variant is not present in population databases (gnomAD no frequency). This variant has not been reported in the literature in individuals affected with PHKB-related conditions. Algorithms developed to predict the effect of sequence changes on RNA splicing suggest that this variant may disrupt the consensus splice site. For these reasons, this variant has been classified as Pathogenic.

Fulgent Genetics
Classification: Likely pathogenic for Glycogen storage disease IXb. Last evaluated: 2024-06-01. Review status: criteria provided, single submitter. Criteria: ACMG Guidelines, 2015. Collection method: clinical testing. Allele origin: germline.

Literature cited by the submitters: PubMed 9215682 (cited by Labcorp Genetics (formerly Invitae), Labcorp); PubMed 9326319 (cited by Labcorp Genetics (formerly Invitae), Labcorp).

NM_000293.3(PHKB):c.2304_2305del (p.Arg768fs)

Gene: PHKB (phosphorylase kinase regulatory subunit beta; plus strand). Cytogenetic location: 16q12.1.
Variant type: Microsatellite.
Coding change: c.2304_2305del on transcript NM_000293.3 (MANE Select); coding-DNA positions 2304 to 2305, 2 bases deleted (AG; older notation c.2304_2305delAG).
Protein change: p.Arg768fs; shifts the reading frame from arginine 768.
Molecular consequence: frameshift variant.
Genome position (GRCh38, 1-based): chr16:47,663,702-47,663,703, AG deleted; deleting any 2 consecutive bases within chr16:47,663,697-47,663,703 gives the same sequence; the c. name uses the placement nearest the transcript's 3' end. VCF-style (leftmost placement, unchanged base first): chr16-47663696-TGA-T. GRCh37 (hg19) VCF-style: chr16-47697607-TGA-T.
Other names: c.2283_2284del, p.Arg761fs (NM_001031835.3); c.2304_2305del, p.Arg768fs (NM_001363837.1); short protein forms R761fs, R768fs.
Identifiers: ClinVar variation 3580747 (VCV003580747.2).